The following is an entry in ClinVar:

NM_001364905.1(LRBA):c.3748G>C (p.Ala1250Pro)

Gene: LRBA (LPS responsive beige-like anchor protein; minus strand). Cytogenetic location: 4q31.3.
Variant type: single nucleotide variant.
Coding change: c.3748G>C on transcript NM_001364905.1 (MANE Select); coding-DNA position 3748, G replaced by C.
Protein change: p.Ala1250Pro; replaces alanine 1250 with proline.
Molecular consequence: missense variant.
Genome position (GRCh38, 1-based): chr4:150,851,962, C>G on the plus strand (G>C on the coding strand, the complement: LRBA is on the minus strand). VCF-style: chr4-150851962-C-G. GRCh37 (hg19) VCF-style: chr4-151773114-C-G.
Other names: c.3748G>C, p.Ala1250Pro (NM_001199282.3, NM_001367550.1, NM_006726.5); short protein forms A1250P.
Identifiers: ClinVar variation 569064 (VCV000569064.7), dbSNP rs146423687, ClinGen allele CA3102999.

ClinVar aggregate classification (germline): Uncertain significance (1 of 4 stars; one submission).

Conditions:
Combined immunodeficiency due to LRBA deficiency. Also called: Common variable immunodeficiency 8, with autoimmunity. Identifiers: Orphanet 445018, MedGen C3553512, MONDO:0013863, OMIM 614700.

Allele frequency attached by ClinVar (database versions not stated): TOPMed 0.00004; ExAC 0.00005; ESP Exome Variant Server 0.00008; gnomAD exomes 0.00003.
gnomAD v4.1: 39 of 1,614,002 alleles (0.0024%); highest among the groups gnomAD compares: Non-Finnish European, 0.003%; no homozygotes.

Submissions (2):

Labcorp Genetics (formerly Invitae), Labcorp
Classification: Uncertain significance for Combined immunodeficiency due to LRBA deficiency. Last evaluated: 2022-07-26. Review status: criteria provided, single submitter. Criteria: Invitae Variant Classification Sherloc (09022015). Collection method: clinical testing. Allele origin: germline.
Comment: This sequence change replaces alanine, which is neutral and non-polar, with proline, which is neutral and non-polar, at codon 1250 of the LRBA protein (p.Ala1250Pro). This variant is present in population databases (rs146423687, gnomAD 0.008%). This variant has not been reported in the literature in individuals affected with LRBA-related conditions. ClinVar contains an entry for this variant (Variation ID: 569064). Algorithms developed to predict the effect of missense changes on protein structure and function are either unavailable or do not agree on the potential impact of this missense change (SIFT: "Deleterious"; PolyPhen-2: "Possibly Damaging"; Align-GVGD: "Class C0"). In summary, the available evidence is currently insufficient to determine the role of this variant in disease. Therefore, it has been classified as a Variant of Uncertain Significance.

Dr. Peter K. Rogan Lab, Western University
No classification provided (evidence only). Condition: Ovarian serous cystadenocarcinoma. Review status: no classification provided. Collection method: in vitro. Allele origin: not applicable. Functional consequence: retained intron. Not counted in ClinVar's aggregate classification.